The following is an entry in ClinVar:

NM_002546.4(TNFRSF11B):c.*583T>A

Gene: TNFRSF11B (TNF receptor superfamily member 11b; minus strand). Cytogenetic location: 8q24.12.
Variant type: single nucleotide variant.
Coding change: c.*583T>A on transcript NM_002546.4 (MANE Select); 583 bases downstream of the stop codon, T replaced by A.
Molecular consequence: 3 prime UTR variant.
Genome position (GRCh38, 1-based): chr8:118,923,791, A>T on the plus strand (T>A on the coding strand, the complement: TNFRSF11B is on the minus strand). VCF-style: chr8-118923791-A-T. GRCh37 (hg19) VCF-style: chr8-119936030-A-T.
Identifiers: ClinVar variation 361683 (VCV000361683.6), dbSNP rs7815440, ClinGen allele CA10624660.

ClinVar aggregate classification (germline): Benign. Review status: criteria provided, multiple submitters, no conflicts (2 of 4 stars). 2 submissions from 2 submitters: Benign (2). Last evaluated 2018-01-12.

Conditions:
Hyperphosphatasemia with bone disease (PDB5). Also called: HYPEROSTOSIS CORTICALIS DEFORMANS JUVENILIS; HYPERPHOSPHATASEMIA, CHRONIC CONGENITAL IDIOPATHIC; HYPERPHOSPHATASIA, FAMILIAL IDIOPATHIC; PAGET DISEASE OF BONE 5, JUVENILE-ONSET; Paget disease of bone 5; Osteoectasia familial. Identifiers: Orphanet 2801, MedGen C0268414, MONDO:0009394, OMIM 239000.

Allele frequency attached by ClinVar (database versions not stated): gnomAD 0.03482; 1000 Genomes Project 0.03974; TOPMed 0.04060; 1000 Genomes Project 30x 0.04201.

Submissions (2):

Illumina Laboratory Services, Illumina
Classification: Benign for Hyperphosphatasemia with bone disease. Last evaluated: 2018-01-12. Review status: criteria provided, single submitter. Criteria: ICSL Variant Classification Criteria 13 December 2019. Collection method: clinical testing. Allele origin: germline.
Comment: This variant was observed in the ICSL laboratory as part of a predisposition screen in an ostensibly healthy population. It had not been previously curated by ICSL or reported in the Human Gene Mutation Database (HGMD: prior to June 1st, 2018), and was therefore a candidate for classification through an automated scoring system. Utilizing variant allele frequency, disease prevalence and penetrance estimates, and inheritance mode, an automated score was calculated to assess if this variant is too frequent to cause the disease. Based on the score and internal cut-off values, a variant classified as benign is not then subjected to further curation. The score for this variant resulted in a classification of benign for this disease.

Breakthrough Genomics
Classification: Benign. Review status: criteria provided, single submitter. Criteria: ACMG Guidelines, 2015. Collection method: not provided. Allele origin: germline. Inheritance: Autosomal recessive inheritance. Affected: yes.